The following is an entry in ClinVar:

ClinVar aggregate classification (germline): Uncertain significance (1 of 4 stars; one submission).

Conditions:
Aortic aneurysm, familial thoracic 7 (AAT7). Also called: AORTIC DISSECTION, FAMILIAL, WITH OR WITHOUT AORTIC ANEURYSM. Identifiers: MedGen C3151077, MONDO:0013418, OMIM 613780.

Allele frequency attached by ClinVar (database versions not stated): gnomAD exomes below 0.00001; ExAC 0.00001.
gnomAD v4.1: 1 of 1,614,052 alleles (0.000062%); highest among the groups gnomAD compares: Non-Finnish European, 0.000085%; no homozygotes.

Submission:

Labcorp Genetics (formerly Invitae), Labcorp
Classification: Uncertain significance for Aortic aneurysm, familial thoracic 7. Last evaluated: 2021-08-03. Review status: criteria provided, single submitter. Criteria: Invitae Variant Classification Sherloc (09022015). Collection method: clinical testing. Allele origin: germline.
Comment: In summary, the available evidence is currently insufficient to determine the role of this variant in disease. Therefore, it has been classified as a Variant of Uncertain Significance. Advanced modeling of protein sequence and biophysical properties (such as structural, functional, and spatial information, amino acid conservation, physicochemical variation, residue mobility, and thermodynamic stability) performed at Invitae indicates that this missense variant is not expected to disrupt MYLK protein function. This variant has not been reported in the literature in individuals affected with MYLK-related conditions. This variant is present in population databases (rs766692784, ExAC 0.001%). This sequence change replaces asparagine with aspartic acid at codon 1665 of the MYLK protein (p.Asn1665Asp). The asparagine residue is highly conserved and there is a small physicochemical difference between asparagine and aspartic acid.

NM_053025.4(MYLK):c.4993A>G (p.Asn1665Asp)

Genes: MYLK (myosin light chain kinase; minus strand), MYLK-AS1 (MYLK antisense RNA 1; plus strand), LOC126806791 (MED14-independent group 3 enhancer GRCh37_chr3:123347871-123349070; plus strand). Cytogenetic location: 3q21.1.
Variant type: single nucleotide variant.
Coding change: c.4993A>G on transcript NM_053025.4 (MANE Select); coding-DNA position 4993, A replaced by G.
Protein change: p.Asn1665Asp; replaces asparagine 1665 with aspartic acid.
Molecular consequence: missense variant. On other transcripts: non-coding transcript variant (2), intron variant (2).
Genome position (GRCh38, 1-based): chr3:123,629,595, T>C on the plus strand (A>G on the coding strand, the complement: MYLK is on the minus strand). VCF-style: chr3-123629595-T-C. GRCh37 (hg19) VCF-style: chr3-123348442-T-C.
Other names: c.4465A>G, p.Asn1489Asp (NM_001321309.2); c.4786A>G, p.Asn1596Asp (NM_053026.4); c.4755-2654A>G (NM_053028.4); c.4962-2654A>G (NM_053027.4); short protein forms N1596D, N1489D, N1665D.
Identifiers: ClinVar variation 1430822 (VCV001430822.6), dbSNP rs766692784, ClinGen allele CA072364.
Genomic context (GRCh38, chr3:123,629,595, plus strand): 5'-ATGCCTCGTCGTCGAAGTCCCAGGTGGCTGAGGTAACGTTGGCCAAGGTTTCGTTATCGT[T>C]GTCTCCCATGAAGGGGGAAAGGCCACTGACTCTGGAGAGACAAGAGCAGGACAGCAGGTG-3'
Protein context (NP_444253.3, residues 1655-1675): VSGLSPFMGD[Asn1665Asp]DNETLANVTS